The following is an entry in ClinVar:

NM_003640.5(ELP1):c.1154del (p.Asn384_Ser385insTer)

Gene: ELP1 (elongator acetyltransferase complex subunit 1; minus strand). Cytogenetic location: 9q31.3.
Variant type: Deletion.
Coding change: c.1154del on transcript NM_003640.5 (MANE Select); coding-DNA position 1154, one base deleted (C; older notation c.1154delC).
Protein change: p.Asn384_Ser385insTer.
Molecular consequence: nonsense.
Genome position (GRCh38, 1-based): chr9:108,912,299, G deleted on the plus strand (C on the coding strand, the reverse complement: ELP1 is on the minus strand). VCF-style (leftmost placement, unchanged base first): chr9-108912298-TG-T. GRCh37 (hg19) VCF-style: chr9-111674578-TG-T.
Other names: c.1154del (NM_003640.3, LRG_251t1); c.812del, p.Asn270_Ser271insTer (NM_001318360.2); c.107del, p.Asn35_Ser36insTer (NM_001330749.2).
Identifiers: ClinVar variation 552243 (VCV000552243.10), dbSNP rs774890086, ClinGen allele CA5175103.

ClinVar aggregate classification (germline): Pathogenic/Likely pathogenic. Review status: criteria provided, multiple submitters, no conflicts (2 of 4 stars). 3 submissions from 3 submitters: Pathogenic (1); Likely pathogenic (1). 1 of the submissions does not count toward it. Last evaluated 2024-05-06.

Conditions:
Medulloblastoma (MDB). Also called: MEDULLOBLASTOMA PREDISPOSITION SYNDROME; Medulloblastoma, somatic. Identifiers: Orphanet 616, MedGen C0025149, MeSH D008527, MONDO:0007959, OMIM 155255, HP:0002885.
Familial dysautonomia. Also called: FD; HSAN III. Identifiers: Orphanet 1764, MedGen C0013364, MONDO:0009131, OMIM 223900. Disease mechanism: loss of function.

Allele frequency attached by ClinVar (database versions not stated): gnomAD exomes below 0.00001; ExAC 0.00001.

Submissions (3):

Fulgent Genetics
Classification: Likely pathogenic for Medulloblastoma; Familial dysautonomia. Last evaluated: 2024-05-06. Review status: criteria provided, single submitter. Criteria: ACMG Guidelines, 2015. Collection method: clinical testing. Allele origin: germline.

Labcorp Genetics (formerly Invitae), Labcorp
Classification: Pathogenic. Last evaluated: 2019-09-27. Review status: criteria provided, single submitter. Criteria: Invitae Variant Classification Sherloc (09022015). Collection method: clinical testing. Allele origin: germline.
Comment: For these reasons, this variant has been classified as Pathogenic. Loss-of-function variants in ELP1 are known to be pathogenic (PMID: 18303054, 24173031). This variant has not been reported in the literature in individuals with ELP1-related conditions. ClinVar contains an entry for this variant (Variation ID: 552243). This variant is present in population databases (rs774890086, ExAC 0.001%). This sequence change creates a premature translational stop signal (p.Ser385*) in the ELP1 gene. It is expected to result in an absent or disrupted protein product.

Counsyl
Classification: Likely pathogenic for Familial dysautonomia. Last evaluated: 2017-05-31. Review status: no assertion criteria provided. Collection method: clinical testing. Allele origin: unknown. Not counted in ClinVar's aggregate classification.

Literature cited by the submitters: PubMed 18303054 (cited by Labcorp Genetics (formerly Invitae), Labcorp); PubMed 24173031 (cited by Labcorp Genetics (formerly Invitae), Labcorp).